The following is an entry in ClinVar:

NM_003246.4(THBS1):c.3156C>T (p.Pro1052=)

Genes: THBS1 (thrombospondin 1; plus strand), LOC126862110 (MED14-independent group 3 enhancer GRCh37_chr15:39885600-39886799; plus strand). Cytogenetic location: 15q14.
Variant type: single nucleotide variant.
Coding change: c.3156C>T on transcript NM_003246.4 (MANE Select); coding-DNA position 3156, C replaced by T.
Protein change: p.Pro1052=; no amino-acid change (proline 1052 retained).
Molecular consequence: synonymous variant.
Genome position (GRCh38, 1-based): chr15:39,593,557, C>T. VCF-style: chr15-39593557-C-T. GRCh37 (hg19) VCF-style: chr15-39885758-C-T.
Identifiers: ClinVar variation 3042608 (VCV003042608.2), dbSNP rs572211739, ClinGen allele CA7472395.

ClinVar aggregate classification (germline): Likely benign (0 of 4 stars; one submission).

Conditions:
THBS1-related disorder. Also called: THBS1-related condition.

Allele frequency attached by ClinVar (database versions not stated): TOPMed 0.00002; gnomAD 0.00018; gnomAD exomes 0.00030; ExAC 0.00066; 1000 Genomes Project 0.00180; 1000 Genomes Project 30x 0.00187.
gnomAD v4.1: 469 of 1,614,220 alleles (0.029%); highest among the groups gnomAD compares: South Asian, 0.48%; 7 homozygotes.

Submission:

PreventionGenetics, part of Exact Sciences
Classification: Likely benign for THBS1-related condition. Last evaluated: 2019-07-01. Review status: no assertion criteria provided. Collection method: clinical testing. Allele origin: germline.
Comment: This variant is classified as likely benign based on ACMG/AMP sequence variant interpretation guidelines (Richards et al. 2015 PMID: 25741868, with internal and published modifications).